The following is an entry in ClinVar:

NM_001375524.1(TRRAP):c.1291C>T (p.Arg431Cys)

Gene: TRRAP (transformation/transcription domain associated protein; plus strand). Cytogenetic location: 7q22.1.
Variant type: single nucleotide variant.
Coding change: c.1291C>T on transcript NM_001375524.1 (MANE Select); coding-DNA position 1291, C replaced by T.
Protein change: p.Arg431Cys; replaces arginine 431 with cysteine.
Molecular consequence: missense variant.
Genome position (GRCh38, 1-based): chr7:98,908,903, C>T. VCF-style: chr7-98908903-C-T. GRCh37 (hg19) VCF-style: chr7-98506526-C-T.
Other names: c.1291C>T, p.Arg431Cys (NM_001244580.2, NM_003496.4); c.1291C>T (NM_003496.3); short protein forms R431C.
Identifiers: ClinVar variation 1714698 (VCV001714698.6), dbSNP rs2484707870, ClinGen allele CA368284058.

ClinVar aggregate classification (germline): Uncertain significance. Review status: criteria provided, multiple submitters, no conflicts (2 of 4 stars). 2 submissions from 2 submitters: Uncertain significance (2). Last evaluated 2024-11-15.

Conditions:
TRRAP-related disorder. Also called: TRRAP-related condition.

Allele frequency attached by ClinVar (database versions not stated): gnomAD exomes below 0.00001.
gnomAD v4.1: 2 of 1,613,996 alleles (0.00012%); highest among the groups gnomAD compares: Non-Finnish European, 0.00017%; no homozygotes.

Submissions (2):

PreventionGenetics, part of Exact Sciences
Classification: Uncertain significance for TRRAP-related condition. Last evaluated: 2024-11-15. Review status: criteria provided, single submitter. Criteria: ACMG Guidelines, 2015. Collection method: clinical testing. Allele origin: germline.
Comment: The TRRAP c.1291C>T variant is predicted to result in the amino acid substitution p.Arg431Cys. To our knowledge, this variant has not been reported in the literature or in a large population database (gnomAD), indicating this variant is rare. At this time, the clinical significance of this variant is uncertain due to the absence of conclusive functional and genetic evidence.

Labcorp Genetics (formerly Invitae), Labcorp
Classification: Uncertain significance. Last evaluated: 2022-09-18. Review status: criteria provided, single submitter. Criteria: Invitae Variant Classification Sherloc (09022015). Collection method: clinical testing. Allele origin: germline.
Comment: In summary, the available evidence is currently insufficient to determine the role of this variant in disease. Therefore, it has been classified as a Variant of Uncertain Significance. Advanced modeling of protein sequence and biophysical properties (such as structural, functional, and spatial information, amino acid conservation, physicochemical variation, residue mobility, and thermodynamic stability) performed at Invitae indicates that this missense variant is not expected to disrupt TRRAP protein function. This variant has not been reported in the literature in individuals affected with TRRAP-related conditions. This variant is not present in population databases (gnomAD no frequency). This sequence change replaces arginine, which is basic and polar, with cysteine, which is neutral and slightly polar, at codon 431 of the TRRAP protein (p.Arg431Cys).